The following is an entry in ClinVar:

ClinVar aggregate classification (germline): Uncertain significance (1 of 4 stars; one submission).

Conditions:
Hereditary cancer-predisposing syndrome. Also called: Tumor predisposition; Hereditary neoplastic syndrome; Hereditary Cancer Syndrome; Neoplastic Syndromes, Hereditary. Identifiers: Orphanet 140162, MedGen C0027672, MeSH D009386, MONDO:0015356.

Submission:

Ambry Genetics
Classification: Uncertain significance for Hereditary cancer-predisposing syndrome. Last evaluated: 2025-05-05. Review status: criteria provided, single submitter. Criteria: Ambry Variant Classification Scheme 2023. Collection method: clinical testing. Allele origin: germline.
Comment: The p.A456S variant (also known as c.1366G>T), located in coding exon 14 of the POLE gene, results from a G to T substitution at nucleotide position 1366. The alanine at codon 456 is replaced by serine, an amino acid with similar properties. This amino acid position is highly conserved in available vertebrate species. In addition, the in silico prediction for this alteration is inconclusive. Based on the available evidence, the clinical significance of this variant remains unclear.

NM_006231.4(POLE):c.1366G>T (p.Ala456Ser)

Gene: POLE (DNA polymerase epsilon, catalytic subunit; minus strand). Cytogenetic location: 12q24.33.
Variant type: single nucleotide variant.
Coding change: c.1366G>T on transcript NM_006231.4 (MANE Select); coding-DNA position 1366, G replaced by T.
Protein change: p.Ala456Ser; replaces alanine 456 with serine.
Molecular consequence: missense variant.
Genome position (GRCh38, 1-based): chr12:132,673,271, C>A on the plus strand (G>T on the coding strand, the complement: POLE is on the minus strand). VCF-style: chr12-132673271-C-A. GRCh37 (hg19) VCF-style: chr12-133249857-C-A.
Other names: short protein forms A456S.
Identifiers: ClinVar variation 3935653 (VCV003935653.1).
Genomic context (GRCh38, chr12:132,673,271, plus strand): 5'-GGTGGACGTACTTCATGTACAGGTAGTAAGTGGCGACAGCATCTGACACAGAATACGTGG[C>A]CAGAGTCTGAGGAGAGAACGCCAGAGAGCAGGGCCATCAAAAATCAAGAGCCCAGGGTCA-3'
Protein context (NP_006222.2, residues 446-466): RMATEQPQTL[Ala456Ser]TYSVSDAVAT